The following is an entry in ClinVar:

ClinVar aggregate classification (germline): Uncertain significance. Review status: criteria provided, multiple submitters, no conflicts (2 of 4 stars). 2 submissions from 2 submitters: Uncertain significance (2). Last evaluated 2025-04-10.

Conditions:
Cardiovascular phenotype. Identifiers: MedGen CN230736.
Anterior segment dysgenesis. Also called: Ocular anterior segment dysgenesis. Identifiers: Orphanet 88632, MedGen C1862839, MONDO:0019503, HP:0007700.
Congenital primary aphakia. Also called: ANTERIOR SEGMENT DYSGENESIS 2; Anterior segment dysgenesis 2, multiple subtypes. Identifiers: Orphanet 83461, MedGen C1853230, MONDO:0012456, OMIM 610256.

Submissions (2):

Labcorp Genetics (formerly Invitae), Labcorp
Classification: Uncertain significance for Anterior segment dysgenesis; Congenital primary aphakia. Last evaluated: 2025-04-10. Review status: criteria provided, single submitter. Criteria: Invitae Variant Classification Sherloc (09022015). Collection method: clinical testing. Allele origin: germline.
Comment: This sequence change replaces glycine, which is neutral and non-polar, with valine, which is neutral and non-polar, at codon 34 of the FOXE3 protein (p.Gly34Val). This variant is present in population databases (no rsID available, gnomAD 0.03%). This variant has not been reported in the literature in individuals affected with FOXE3-related conditions. ClinVar contains an entry for this variant (Variation ID: 1756392). An algorithm developed to predict the effect of missense changes on protein structure and function (PolyPhen-2) suggests that this variant is likely to be tolerated. In summary, the available evidence is currently insufficient to determine the role of this variant in disease. Therefore, it has been classified as a Variant of Uncertain Significance.

Ambry Genetics
Classification: Uncertain significance for Cardiovascular phenotype. Last evaluated: 2022-08-08. Review status: criteria provided, single submitter. Criteria: Ambry Variant Classification Scheme 2023. Collection method: clinical testing. Allele origin: germline.
Comment: The p.G34V variant (also known as c.101G>T), located in coding exon 1 of the FOXE3 gene, results from a G to T substitution at nucleotide position 101. The glycine at codon 34 is replaced by valine, an amino acid with dissimilar properties. This amino acid position is conserved. In addition, this alteration is predicted to be tolerated by in silico analysis. Since supporting evidence is limited at this time, the clinical significance of this alteration remains unclear.

NM_012186.3(FOXE3):c.101G>T (p.Gly34Val)

Genes: FOXE3 (forkhead box E3; plus strand), LINC01389 (long independently transcribed non-coding RNA 1389; minus strand). Cytogenetic location: 1p33.
Variant type: single nucleotide variant.
Coding change: c.101G>T on transcript NM_012186.3 (MANE Select); coding-DNA position 101, G replaced by T.
Protein change: p.Gly34Val; replaces glycine 34 with valine.
Molecular consequence: missense variant.
Genome position (GRCh38, 1-based): chr1:47,416,416, G>T. VCF-style: chr1-47416416-G-T. GRCh37 (hg19) VCF-style: chr1-47882088-G-T.
Other names: short protein forms G34V.
Identifiers: ClinVar variation 1756392 (VCV001756392.5), dbSNP rs1170807231, ClinGen allele CA340249035.
Genomic context (GRCh38, chr1:47,416,416, plus strand): 5'-CTGGCTTCCCTGCCCTGCCAGCGGTCGCGCCGTCGGGGCCGCCGCCGTCGCCGCTCGCAG[G>T]AGCCGAGCCAGGGCGGGAGCCAGAGGAGGCGGCGGCTGGCCGCGGAGAGGCGGCCCCCAC-3'
Protein context (NP_036318.1, residues 24-44): PSGPPPSPLA[Gly34Val]AEPGREPEEA